The following is an entry in ClinVar:

ClinVar aggregate classification (germline): Uncertain significance. Review status: criteria provided, multiple submitters, no conflicts (2 of 4 stars). 2 submissions from 2 submitters: Uncertain significance (2). Last evaluated 2022-05-21.

Conditions:
Deficiency of adenosine deaminase 2. Also called: Adenosine Deaminase 2 Deficiency; VASCULITIS, AUTOINFLAMMATION, IMMUNODEFICIENCY, AND HEMATOLOGIC DEFECTS SYNDROME; Polyarteritis nodosa, childhoood-onset. Identifiers: Orphanet 404553, MedGen C3887654, MONDO:0014306, OMIM 615688, MONDO:0100317.
Sneddon syndrome (SNDNS). Also called: LIVEDO RETICULARIS AND CEREBROVASCULAR ACCIDENTS; Idiopathic livedo reticularis with systemic involvement. Identifiers: Orphanet 820, MedGen C0282492, MONDO:0008436, OMIM 182410.

Allele frequency attached by ClinVar (database versions not stated): gnomAD exomes 0.00001 and 0.00002; ExAC 0.00003.
gnomAD v4.1: 8 of 1,613,858 alleles (0.0005%); highest among the groups gnomAD compares: Admixed American, 0.013%; no homozygotes.

Submissions (2):

Fulgent Genetics
Classification: Uncertain significance for Sneddon syndrome; Deficiency of adenosine deaminase 2. Last evaluated: 2022-05-21. Review status: criteria provided, single submitter. Criteria: ACMG Guidelines, 2015. Collection method: clinical testing. Allele origin: unknown.

Labcorp Genetics (formerly Invitae), Labcorp
Classification: Uncertain significance for Deficiency of adenosine deaminase 2. Last evaluated: 2019-04-18. Review status: criteria provided, single submitter. Criteria: Invitae Variant Classification Sherloc (09022015). Collection method: clinical testing. Allele origin: germline.
Comment: In summary, the available evidence is currently insufficient to determine the role of this variant in disease. Therefore, it has been classified as a Variant of Uncertain Significance. Algorithms developed to predict the effect of missense changes on protein structure and function output the following: SIFT: "Tolerated"; PolyPhen-2: "Benign"; Align-GVGD: "Class C0". The arginine amino acid residue is found in multiple mammalian species, suggesting that this missense change does not adversely affect protein function. These predictions have not been confirmed by published functional studies and their clinical significance is uncertain. This variant has not been reported in the literature in individuals with ADA2-related conditions. This variant is present in population databases (rs767494439, ExAC 0.03%). This sequence change replaces histidine with arginine at codon 293 of the ADA2 protein (p.His293Arg). The histidine residue is moderately conserved and there is a small physicochemical difference between histidine and arginine.

NM_001282225.2(ADA2):c.878A>G (p.His293Arg)

Gene: ADA2 (adenosine deaminase 2; minus strand). Cytogenetic location: 22q11.1.
Variant type: single nucleotide variant.
Coding change: c.878A>G on transcript NM_001282225.2 (MANE Select); coding-DNA position 878, A replaced by G.
Protein change: p.His293Arg; replaces histidine 293 with arginine.
Molecular consequence: missense variant.
Genome position (GRCh38, 1-based): chr22:17,191,686, T>C on the plus strand (A>G on the coding strand, the complement: ADA2 is on the minus strand). VCF-style: chr22-17191686-T-C. GRCh37 (hg19) VCF-style: chr22-17672576-T-C.
Other names: c.878A>G, p.His293Arg (NM_001282226.2); c.752A>G, p.His251Arg (NM_001282227.2, NM_001282228.2); c.518A>G, p.His173Arg (NM_001282229.2); c.155A>G, p.His52Arg (NM_177405.3); short protein forms H173R, H251R, H293R, H52R.
Identifiers: ClinVar variation 852813 (VCV000852813.10), dbSNP rs767494439, ClinGen allele CA10088080.
Genomic context (GRCh38, chr22:17,191,686, plus strand): 5'-AGCTCTGCCTGCATCCCAGCCTCCCAACCCGAGCTTTTCAGCAATATTCTCTCTCACCTG[T>C]GATCCGAATAAATGATTTTGATTCCAATAAACTCAGGGTGAGTTTCCACAAACTTCTGAG-3'
Protein context (NP_001269154.1, residues 283-303): FIGIKIIYSD[His293Arg]RSKDVAVIAE